The following is an entry in ClinVar:

NM_001040108.2(MLH3):c.3122G>T (p.Cys1041Phe)

Gene: MLH3 (mutL homolog 3; minus strand). Cytogenetic location: 14q24.3.
Variant type: single nucleotide variant.
Coding change: c.3122G>T on transcript NM_001040108.2 (MANE Select); coding-DNA position 3122, G replaced by T.
Protein change: p.Cys1041Phe; replaces cysteine 1041 with phenylalanine.
Molecular consequence: missense variant.
Genome position (GRCh38, 1-based): chr14:75,046,534, C>A on the plus strand (G>T on the coding strand, the complement: MLH3 is on the minus strand). VCF-style: chr14-75046534-C-A. GRCh37 (hg19) VCF-style: chr14-75513237-C-A.
Other names: c.3122G>T, p.Cys1041Phe (NM_014381.3); short protein forms C1041F.
Identifiers: ClinVar variation 3891688 (VCV003891688.2).

ClinVar aggregate classification (germline): Uncertain significance. Review status: criteria provided, multiple submitters, no conflicts (2 of 4 stars). 2 submissions from 2 submitters: Uncertain significance (2). Last evaluated 2026-02-06.

Conditions:
Colorectal cancer, hereditary nonpolyposis, type 7. Identifiers: Orphanet 144, MedGen C1858380, MONDO:0013725, OMIM 614385.
Colorectal cancer. Also called: Colorectal cancer, somatic; Malignant Colorectal Neoplasm. Identifiers: MedGen C0346629, MONDO:0005575, OMIM 114500.
Endometrial carcinoma. Also called: Endometrial carcinoma, somatic. Identifiers: MedGen C0476089, MONDO:0002447, OMIM 608089, HP:0012114.

Submissions (2):

Ambry Genetics
Classification: Uncertain significance. Last evaluated: 2026-02-06. Review status: criteria provided, single submitter. Criteria: Ambry Variant Classification Scheme 2023. Collection method: clinical testing. Allele origin: germline.
Comment: The p.C1041F variant (also known as c.3122G>T), located in coding exon 1 of the MLH3 gene, results from a G to T substitution at nucleotide position 3122. The cysteine at codon 1041 is replaced by phenylalanine, an amino acid with highly dissimilar properties. This amino acid position is poorly conserved in available vertebrate species. In addition, this alteration is predicted to be tolerated by in silico analysis. The evidence for this gene-disease relationship is limited; therefore, the clinical significance of this variant is unclear.

Department of Pathology and Laboratory Medicine, Sinai Health System
Classification: Uncertain significance for Colorectal cancer; Endometrial carcinoma; Colorectal cancer, hereditary nonpolyposis, type 7. Last evaluated: 2022-07-04. Review status: criteria provided, single submitter. Criteria: ACMG Guidelines, 2015. Collection method: clinical testing. Allele origin: germline. Affected: yes.